The following is an entry in ClinVar:

NM_001384140.1(PCDH15):c.1859T>A (p.Met620Lys)

Gene: PCDH15 (protocadherin related 15; minus strand). Cytogenetic location: 10q21.1.
Variant type: single nucleotide variant.
Coding change: c.1859T>A on transcript NM_001384140.1 (MANE Select); coding-DNA position 1859, T replaced by A.
Protein change: p.Met620Lys; replaces methionine 620 with lysine.
Molecular consequence: missense variant. On other transcripts: intron variant (1).
Genome position (GRCh38, 1-based): chr10:54,132,933, A>T on the plus strand (T>A on the coding strand, the complement: PCDH15 is on the minus strand). VCF-style: chr10-54132933-A-T. GRCh37 (hg19) VCF-style: chr10-55892693-A-T.
Other names: c.1895T>A, p.Met632Lys (NM_001142769.4); c.1859T>A, p.Met620Lys (NM_001142770.3, NM_001142772.2, NM_001354420.2 and 5 more transcripts); c.1874T>A, p.Met625Lys (NM_001142771.2, NM_001142763.2); c.1793T>A, p.Met598Lys (NM_001142773.2, NM_001354404.2, NM_001142768.2); c.1880T>A, p.Met627Lys (NM_001354411.2); c.1748T>A, p.Met583Lys (NM_001142767.2); c.1784+20167T>A (NM_001142765.2); c.1859T>A (NM_033056.3); short protein forms M627K, M632K, M598K, M583K, M620K, M625K.
Identifiers: ClinVar variation 2180097 (VCV002180097.2), dbSNP rs754028926, ClinGen allele CA5506240.

ClinVar aggregate classification (germline): Uncertain significance. Review status: criteria provided, multiple submitters, no conflicts (2 of 4 stars). 2 submissions from 2 submitters: Uncertain significance (2). Last evaluated 2026-02-24.

Conditions:
PCDH15-related disorder. Also called: PCDH15-related disorders; PCDH15-related condition.

Allele frequency attached by ClinVar (database versions not stated): gnomAD 0.00003; TOPMed 0.00003.
gnomAD v4.1: 7 of 1,613,988 alleles (0.00043%); highest among the groups gnomAD compares: African/African-American, 0.0093%; no homozygotes.

Submissions (2):

PreventionGenetics, part of Exact Sciences
Classification: Uncertain significance for PCDH15-related condition. Last evaluated: 2026-02-24. Review status: criteria provided, single submitter. Criteria: ACMG Guidelines, 2015. Collection method: clinical testing. Allele origin: germline.
Comment: The PCDH15 c.1859T>A variant is predicted to result in the amino acid substitution p.Met620Lys. To our knowledge, this variant has not been reported in the literature. This variant is reported in 0.012% of alleles in individuals of African descent in gnomAD. At this time, the clinical significance of this variant is uncertain due to the absence of conclusive functional and genetic evidence.

Labcorp Genetics (formerly Invitae), Labcorp
Classification: Uncertain significance. Last evaluated: 2022-05-12. Review status: criteria provided, single submitter. Criteria: Invitae Variant Classification Sherloc (09022015). Collection method: clinical testing. Allele origin: germline.
Comment: This sequence change replaces methionine, which is neutral and non-polar, with lysine, which is basic and polar, at codon 620 of the PCDH15 protein (p.Met620Lys). This variant is present in population databases (rs754028926, gnomAD 0.01%). This variant has not been reported in the literature in individuals affected with PCDH15-related conditions. Algorithms developed to predict the effect of missense changes on protein structure and function (SIFT, PolyPhen-2, Align-GVGD) all suggest that this variant is likely to be tolerated. In summary, the available evidence is currently insufficient to determine the role of this variant in disease. Therefore, it has been classified as a Variant of Uncertain Significance.